The following is an entry in ClinVar:

ClinVar aggregate classification (germline): Uncertain significance (1 of 4 stars; one submission).

Conditions:
Neurodevelopmental disorder with or without variable movement or behavioral abnormalities (NEDMAB). Identifiers: MedGen C5676908, MONDO:0859225, OMIM 619725.

Submission:

Dasa
Classification: Uncertain significance for neurodevelopmental disorder with or without variable movement or behavioral abnormalities. Last evaluated: 2025-10-31. Review status: criteria provided, single submitter. Criteria: DASA Assertion Criteria. Collection method: clinical testing. Allele origin: germline.
Comment: NM_021614.4(KCNN2):c.221C>T (p.Ser74Phe) is a missense variant that results in the substitution of serine with phenylalanine. This variant is absent from population databases. The currently available literature and clinical evidence are not sufficient to establish a definitive association between this variant and the reported condition. Therefore, this variant is classified as a variant of uncertain significance.

NM_021614.4(KCNN2):c.221C>T (p.Ser74Phe)

Gene: KCNN2 (potassium calcium-activated channel subfamily N member 2; plus strand). Cytogenetic location: 5q22.3.
Variant type: single nucleotide variant.
Coding change: c.221C>T on transcript NM_021614.4 (MANE Select); coding-DNA position 221, C replaced by T.
Protein change: p.Ser74Phe; replaces serine 74 with phenylalanine.
Molecular consequence: missense variant. On other transcripts: non-coding transcript variant (1).
Genome position (GRCh38, 1-based): chr5:114,362,360, C>T. VCF-style: chr5-114362360-C-T. GRCh37 (hg19) VCF-style: chr5-113698057-C-T.
Other names: c.419C>T, p.Ser140Phe (NM_001372233.1); short protein forms S140F, S74F.
Identifiers: ClinVar variation 4881123 (VCV004881123.2).